The following is an entry in ClinVar:

NM_001330260.2(SCN8A):c.5596C>T (p.Arg1866Trp)

Gene: SCN8A (sodium voltage-gated channel alpha subunit 8; plus strand). Cytogenetic location: 12q13.13.
Variant type: single nucleotide variant.
Coding change: c.5596C>T on transcript NM_001330260.2 (MANE Select); coding-DNA position 5596, C replaced by T.
Protein change: p.Arg1866Trp; replaces arginine 1866 with tryptophan.
Molecular consequence: missense variant.
Genome position (GRCh38, 1-based): chr12:51,807,082, C>T. VCF-style: chr12-51807082-C-T. GRCh37 (hg19) VCF-style: chr12-52200866-C-T.
Other names: c.5473C>T, p.Arg1825Trp (NM_001177984.3, NM_001369788.1); c.5596C>T, p.Arg1866Trp (NM_014191.4); short protein forms R1825W, R1866W.
Identifiers: ClinVar variation 938530 (VCV000938530.15), dbSNP rs1938723469, ClinGen allele CA384887871.

ClinVar aggregate classification (germline): Uncertain significance. Review status: criteria provided, multiple submitters, no conflicts (2 of 4 stars). 3 submissions from 3 submitters: Uncertain significance (3). Last evaluated 2026-09-03.

Conditions:
Early-infantile DEE. Also called: Early infantile epileptic encephalopathy; Early infantile epileptic encephalopathy with suppression bursts; Ohtahara syndrome. Identifiers: Orphanet 1934, MedGen C0393706, MONDO:0800491.
Cognitive impairment with or without cerebellar ataxia (CIAT). Identifiers: MedGen C3280415, MONDO:0013680, OMIM 614306.

Submissions (3):

GeneDx
Classification: Uncertain significance. Last evaluated: 2026-09-03. Review status: criteria provided, single submitter. Criteria: GeneDx Variant Classification Process June 2021. Collection method: clinical testing. Allele origin: germline.
Comment: Not observed at significant frequency in large population cohorts (gnomAD); In silico analysis supports that this missense variant has a deleterious effect on protein structure/function; This substitution is predicted to be within the C-terminal cytoplasmic domain; This variant is associated with the following publications: (PMID: 33004838)

Institute of Human Genetics, University of Leipzig Medical Center
Classification: Uncertain significance for Cognitive impairment with or without cerebellar ataxia. Last evaluated: 2025-09-03. Review status: criteria provided, single submitter. Criteria: ACMG Guidelines, 2015. Collection method: clinical testing. Allele origin: maternal. Inheritance: Autosomal dominant inheritance. Affected: yes.
Comment: Criteria applied: PM5,PP3_MOD,PM2_SUP.

Labcorp Genetics (formerly Invitae), Labcorp
Classification: Uncertain significance for Early-infantile DEE. Last evaluated: 2019-10-16. Review status: criteria provided, single submitter. Criteria: Invitae Variant Classification Sherloc (09022015). Collection method: clinical testing. Allele origin: germline.
Comment: This sequence change replaces arginine with tryptophan at codon 1866 of the SCN8A protein (p.Arg1866Trp). The arginine residue is highly conserved and there is a moderate physicochemical difference between arginine and tryptophan. This variant is not present in population databases (ExAC no frequency). Algorithms developed to predict the effect of missense changes on protein structure and function are either unavailable or do not agree on the potential impact of this missense change (SIFT: "Deleterious"; PolyPhen-2: "Probably Damaging"; Align-GVGD: "Class C0"). In summary, the available evidence is currently insufficient to determine the role of this variant in disease. Therefore, it has been classified as a Variant of Uncertain Significance.